The following is an entry in ClinVar:

ClinVar aggregate classification (germline): Likely benign (1 of 4 stars; one submission).

Conditions:
Majeed syndrome (MJDS). Also called: CHRONIC RECURRENT MULTIFOCAL OSTEOMYELITIS 1, WITH CONGENITAL DYSERYTHROPOIETIC ANEMIA, WITH OR WITHOUT NEUTROPHILIC DERMATOSIS; LPIN2-Related Majeed Syndrome. Identifiers: Orphanet 77297, MedGen C1864997, MONDO:0012316, OMIM 609628.

Allele frequency attached by ClinVar (database versions not stated): 1000 Genomes Project 30x 0.00141; 1000 Genomes Project 0.00200; TOPMed 0.00270; gnomAD 0.00426 and 0.00440; gnomAD exomes 0.00901.
gnomAD v4.1: 642 of 152,490 alleles (0.42%); highest among the groups gnomAD compares: Non-Finnish European, 0.42%; 6 homozygotes.

Submission:

Illumina Laboratory Services, Illumina
Classification: Likely benign for Majeed syndrome. Last evaluated: 2018-01-12. Review status: criteria provided, single submitter. Criteria: ICSL Variant Classification Criteria 13 December 2019. Collection method: clinical testing. Allele origin: germline.
Comment: This variant was observed in the ICSL laboratory as part of a predisposition screen in an ostensibly healthy population. It had not been previously curated by ICSL or reported in the Human Gene Mutation Database (HGMD: prior to June 1st, 2018), and was therefore a candidate for classification through an automated scoring system. Utilizing variant allele frequency, disease prevalence and penetrance estimates, and inheritance mode, an automated score was calculated to assess if this variant is too frequent to cause the disease. Based on the score and internal cut-off values, a variant classified as likely benign is not then subjected to further curation. The score for this variant resulted in a classification of likely benign for this disease.

NM_001375808.2(LPIN2):c.*2553G>A

Gene: LPIN2 (lipin 2; minus strand). Cytogenetic location: 18p11.31.
Variant type: single nucleotide variant.
Coding change: c.*2553G>A on transcript NM_001375808.2 (MANE Select); 2553 bases downstream of the stop codon, G replaced by A.
Molecular consequence: 3 prime UTR variant.
Genome position (GRCh38, 1-based): chr18:2,917,740, C>T on the plus strand (G>A on the coding strand, the complement: LPIN2 is on the minus strand). VCF-style: chr18-2917740-C-T. GRCh37 (hg19) VCF-style: chr18-2917738-C-T.
Other names: c.*2553G>A (NM_001375809.1, NM_014646.2).
Identifiers: ClinVar variation 890346 (VCV000890346.4), dbSNP rs149332969, ClinGen allele CA14624936.